The following is an entry in ClinVar:

NM_000051.4(ATM):c.*5C>T

Genes: ATM (ATM serine/threonine kinase; plus strand), C11orf65 (chromosome 11 open reading frame 65; minus strand). Cytogenetic location: 11q22.3.
Variant type: single nucleotide variant.
Coding change: c.*5C>T on transcript NM_000051.4 (MANE Select); 5 bases downstream of the stop codon, C replaced by T.
Molecular consequence: 3 prime UTR variant. On other transcripts: intron variant (2).
Genome position (GRCh38, 1-based): chr11:108,365,513, C>T. VCF-style: chr11-108365513-C-T. GRCh37 (hg19) VCF-style: chr11-108236240-C-T.
Other names: c.*5C>T (NM_001351834.2); c.640+20407G>A (NM_001330368.2); c.694+20407G>A (NM_001351110.2).
Identifiers: ClinVar variation 3772752 (VCV003772752.1).

ClinVar aggregate classification (germline): Benign (1 of 4 stars; one submission).

Conditions:
Familial cancer of breast. Also called: BREAST CANCER, FAMILIAL; Hereditary breast cancer; hereditary breast carcinoma. Identifiers: Orphanet 227535, MedGen C0346153, MONDO:0016419, OMIM 114480. Disease mechanism: loss of function.

Submission:

Myriad Genetics, Inc.
Classification: Benign for Familial cancer of breast. Last evaluated: 2024-10-01. Review status: criteria provided, single submitter. Criteria: Myriad Autosomal Dominant, Autosomal Recessive and X-Linked Classification Criteria (2023). Collection method: clinical testing. Allele origin: unknown.
Comment: This variant is considered benign. This variant occurs in the non-coding 3' untranslated region of the gene, and is not expected to impact protein function.